The following is an entry in ClinVar:

ClinVar aggregate classification (germline): Uncertain significance (1 of 4 stars; one submission).

Allele frequency attached by ClinVar (database versions not stated): gnomAD exomes 0.00001.

Submission:

Labcorp Genetics (formerly Invitae), Labcorp
Classification: Uncertain significance. Last evaluated: 2023-08-24. Review status: criteria provided, single submitter. Criteria: Invitae Variant Classification Sherloc (09022015). Collection method: clinical testing. Allele origin: germline.
Comment: An algorithm developed to predict the effect of missense changes on protein structure and function (PolyPhen-2) suggests that this variant is likely to be tolerated. ClinVar contains an entry for this variant (Variation ID: 1405643). This variant has not been reported in the literature in individuals affected with CCT2-related conditions. This variant is not present in population databases (gnomAD no frequency). This sequence change replaces threonine, which is neutral and polar, with alanine, which is neutral and non-polar, at codon 246 of the CCT2 protein (p.Thr246Ala). In summary, the available evidence is currently insufficient to determine the role of this variant in disease. Therefore, it has been classified as a Variant of Uncertain Significance.

NM_006431.3(CCT2):c.736A>G (p.Thr246Ala)

Gene: CCT2 (chaperonin containing TCP1 subunit 2; plus strand). Cytogenetic location: 12q15.
Variant type: single nucleotide variant.
Coding change: c.736A>G on transcript NM_006431.3 (MANE Select); coding-DNA position 736, A replaced by G.
Protein change: p.Thr246Ala; replaces threonine 246 with alanine.
Molecular consequence: missense variant.
Genome position (GRCh38, 1-based): chr12:69,592,145, A>G. VCF-style: chr12-69592145-A-G. GRCh37 (hg19) VCF-style: chr12-69985925-A-G.
Other names: c.595A>G, p.Thr199Ala (NM_001198842.2); short protein forms T246A, T199A.
Identifiers: ClinVar variation 1405643 (VCV001405643.6), dbSNP rs2135853883, ClinGen allele CA385728177.
Genomic context (GRCh38, chr12:69,592,145, plus strand): 5'-GTAAATCAACCAAAACGAATTGAAAATGCTAAAATTCTTATTGCAAATACTGGTATGGAT[A>G]CAGACAAAATAAAGGTATGTAACTCTACTTTTTAAAAATTAAAATTACTGCCCAGGCAGA-3'
Protein context (NP_006422.1, residues 236-256): KILIANTGMD[Thr246Ala]DKIKIFGSRV